The following is an entry in ClinVar:

ClinVar aggregate classification (germline): Uncertain significance (1 of 4 stars; one submission).

Conditions:
Holoprosencephaly 11 (HPE11). Identifiers: Orphanet 2162, MedGen C3280215, MONDO:0013642, OMIM 614226.

Allele frequency attached by ClinVar (database versions not stated): gnomAD exomes below 0.00001; gnomAD 0.00001; TOPMed 0.00002.
gnomAD v4.1: 2 of 1,613,960 alleles (0.00012%); highest among the groups gnomAD compares: Non-Finnish European, 0.00017%; no homozygotes.

Submission:

Labcorp Genetics (formerly Invitae), Labcorp
Classification: Uncertain significance for Holoprosencephaly 11. Last evaluated: 2023-09-01. Review status: criteria provided, single submitter. Criteria: Invitae Variant Classification Sherloc (09022015). Collection method: clinical testing. Allele origin: germline.
Comment: In summary, the available evidence is currently insufficient to determine the role of this variant in disease. Therefore, it has been classified as a Variant of Uncertain Significance. Advanced modeling of protein sequence and biophysical properties (such as structural, functional, and spatial information, amino acid conservation, physicochemical variation, residue mobility, and thermodynamic stability) performed at Invitae indicates that this missense variant is not expected to disrupt CDON protein function. This variant has not been reported in the literature in individuals affected with CDON-related conditions. This variant is not present in population databases (gnomAD no frequency). This sequence change replaces valine, which is neutral and non-polar, with alanine, which is neutral and non-polar, at codon 323 of the CDON protein (p.Val323Ala).

NM_001378964.1(CDON):c.968T>C (p.Val323Ala)

Gene: CDON (cell adhesion associated, oncogene regulated; minus strand). Cytogenetic location: 11q24.2.
Variant type: single nucleotide variant.
Coding change: c.968T>C on transcript NM_001378964.1 (MANE Select); coding-DNA position 968, T replaced by C.
Protein change: p.Val323Ala; replaces valine 323 with alanine.
Molecular consequence: missense variant.
Genome position (GRCh38, 1-based): chr11:126,015,471, A>G on the plus strand (T>C on the coding strand, the complement: CDON is on the minus strand). VCF-style: chr11-126015471-A-G. GRCh37 (hg19) VCF-style: chr11-125885366-A-G.
Other names: c.968T>C, p.Val323Ala (NM_016952.6, NM_001243597.3); short protein forms V323A.
Identifiers: ClinVar variation 2915324 (VCV002915324.3), dbSNP rs1406987164, ClinGen allele CA383210438.